The following is an entry in ClinVar:

NM_001134831.2(AHI1):c.2072del (p.Phe691fs)

Gene: AHI1 (Abelson helper integration site 1; minus strand). Cytogenetic location: 6q23.3.
Variant type: Deletion.
Coding change: c.2072del on transcript NM_001134831.2 (MANE Select); coding-DNA position 2072, one base deleted (T; older notation c.2072delT).
Protein change: p.Phe691fs; shifts the reading frame from phenylalanine 691.
Molecular consequence: frameshift variant.
Genome position (GRCh38, 1-based): chr6:135,433,221, A deleted on the plus strand (T on the coding strand, the reverse complement: AHI1 is on the minus strand); the first of 3 consecutive A bases (chr6:135,433,221-135,433,223); deleting any one gives the same sequence. VCF-style (leftmost placement, unchanged base first): chr6-135433220-GA-G. GRCh37 (hg19) VCF-style: chr6-135754358-GA-G.
Other names: c.2072del, p.Phe691fs (NM_001134830.2, NM_001134832.2, NM_001350503.2 and 2 more transcripts); short protein forms F691fs.
Identifiers: ClinVar variation 1929391 (VCV001929391.7), dbSNP rs2484606871, ClinGen allele CA2580075075.

ClinVar aggregate classification (germline): Pathogenic. Review status: criteria provided, multiple submitters, no conflicts (2 of 4 stars). 2 submissions from 2 submitters: Pathogenic (2). Last evaluated 2022-08-24.

Conditions:
Joubert syndrome 3 (JBTS3). Also called: AHI1-related Ciliopathy. Identifiers: Orphanet 220493, MedGen C1837713, MONDO:0012078, OMIM 608629.
Joubert syndrome. Also called: JOUBERT-BOLTSHAUSER SYNDROME; Familial aplasia of the vermis. Identifiers: Orphanet 475, MedGen C5979921, MONDO:0018772.

Submissions (2):

Labcorp Genetics (formerly Invitae), Labcorp
Classification: Pathogenic for Joubert syndrome. Last evaluated: 2022-08-24. Review status: criteria provided, single submitter. Criteria: Invitae Variant Classification Sherloc (09022015). Collection method: clinical testing. Allele origin: germline.
Comment: For these reasons, this variant has been classified as Pathogenic. Algorithms developed to predict the effect of sequence changes on RNA splicing suggest that this variant may disrupt the consensus splice site. This premature translational stop signal has been observed in individual(s) with Joubert syndrome (PMID: 32335874). This variant is not present in population databases (gnomAD no frequency). This sequence change creates a premature translational stop signal (p.Phe691Serfs*19) in the AHI1 gene. It is expected to result in an absent or disrupted protein product. Loss-of-function variants in AHI1 are known to be pathogenic (PMID: 15322546, 16453322, 28442542, 29186038).

Juno Genomics, Hangzhou Juno Genomics, Inc
Classification: Pathogenic for Joubert syndrome 3. Review status: criteria provided, single submitter. Criteria: ACMG Guidelines, 2015. Collection method: clinical testing. Allele origin: germline.
Comment: Absent from controls (or at extremely low frequency if recessive) in Genome Aggregation Database.;Null variant in a gene where loss of function (LOF) is a known mechanism of disease.;For recessive disorders, detected in trans with a pathogenic variant.

Literature cited by the submitters: PubMed 32335874 (cited by Labcorp Genetics (formerly Invitae), Labcorp); PubMed 15322546 (cited by Labcorp Genetics (formerly Invitae), Labcorp); PubMed 16453322 (cited by Labcorp Genetics (formerly Invitae), Labcorp); PubMed 28442542 (cited by Labcorp Genetics (formerly Invitae), Labcorp); PubMed 29186038 (cited by Labcorp Genetics (formerly Invitae), Labcorp).